The following is an entry in ClinVar:

NM_021930.6(RINT1):c.2080A>C (p.Asn694His)

Genes: EFCAB10 (EF-hand calcium binding domain 10; minus strand), RINT1 (RAD50 interactor 1; plus strand). Cytogenetic location: 7q22.3.
Variant type: single nucleotide variant.
Coding change: c.2080A>C on transcript NM_021930.6 (MANE Select); coding-DNA position 2080, A replaced by C.
Protein change: p.Asn694His; replaces asparagine 694 with histidine.
Molecular consequence: missense variant. On other transcripts: 3 prime UTR variant (1), non-coding transcript variant (1), intron variant (2).
Genome position (GRCh38, 1-based): chr7:105,565,542, A>C. VCF-style: chr7-105565542-A-C. GRCh37 (hg19) VCF-style: chr7-105205989-A-C.
Other names: c.*7T>G (NM_001355530.2); c.1846A>C, p.Asn616His (NM_001346599.2); c.1057A>C, p.Asn353His (NM_001346600.2, NM_001346603.2); c.1156A>C, p.Asn386His (NM_001346601.2); c.360-95T>G (NM_001355531.2); c.384-95T>G (NM_001355526.2); short protein forms N353H, N616H, N386H, N694H.
Identifiers: ClinVar variation 1370318 (VCV001370318.8), dbSNP rs2133479700, ClinGen allele CA368815059.
Genomic context (GRCh38, chr7:105,565,542, plus strand): 5'-GGCTGTGATAATAAAGACAACTGTTATATGAATTATTCTTTGTTTCAGATAATTCTTGCT[A>C]ATCACTTCAATGAAGGAGGAGCAGCCCAGCTGCAGTTTGATATGACTCGGAATCTTTTCC-3'
Protein context (NP_068749.3, residues 684-704): VYIYQEIILA[Asn694His]HFNEGGAAQL

ClinVar aggregate classification (germline): Uncertain significance (1 of 4 stars; one submission).

Allele frequency attached by ClinVar (database versions not stated): gnomAD exomes below 0.00001.
gnomAD v4.1: 2 of 1,613,266 alleles (0.00012%); highest among the groups gnomAD compares: Non-Finnish European, 0.00017%; no homozygotes.

Submission:

Labcorp Genetics (formerly Invitae), Labcorp
Classification: Uncertain significance. Last evaluated: 2021-04-01. Review status: criteria provided, single submitter. Criteria: Invitae Variant Classification Sherloc (09022015). Collection method: clinical testing. Allele origin: germline.
Comment: In summary, the available evidence is currently insufficient to determine the role of this variant in disease. Therefore, it has been classified as a Variant of Uncertain Significance. Algorithms developed to predict the effect of missense changes on protein structure and function are either unavailable or do not agree on the potential impact of this missense change (SIFT: "Deleterious"; PolyPhen-2: "Probably Damaging"; Align-GVGD: "Class C0"). This variant has not been reported in the literature in individuals with RINT1-related conditions. This variant is not present in population databases (ExAC no frequency). This sequence change replaces asparagine with histidine at codon 694 of the RINT1 protein (p.Asn694His). The asparagine residue is highly conserved and there is a small physicochemical difference between asparagine and histidine.